The following is an entry in ClinVar:

NM_022124.6(CDH23):c.4359+240A>G

Gene: CDH23 (cadherin related 23; plus strand). Cytogenetic location: 10q22.1.
Variant type: single nucleotide variant.
Coding change: c.4359+240A>G on transcript NM_022124.6 (MANE Select); 240 bases into the intron after coding-DNA position 4359, A replaced by G.
Molecular consequence: intron variant.
Genome position (GRCh38, 1-based): chr10:71,738,887, A>G. VCF-style: chr10-71738887-A-G. GRCh37 (hg19) VCF-style: chr10-73498644-A-G.
Identifiers: ClinVar variation 670327 (VCV000670327.1), dbSNP rs1227059, ClinGen allele CA13292416.

ClinVar aggregate classification (germline): Benign (1 of 4 stars; one submission).

Allele frequency attached by ClinVar (database versions not stated): 1000 Genomes Project 30x 0.74735; 1000 Genomes Project 0.75419; gnomAD 0.76758 and 0.76922; TOPMed 0.76928.
gnomAD v4.1: 117,200 of 152,266 alleles (77%); highest among the groups gnomAD compares: East Asian, 83%; 45,370 homozygotes.

Submission:

GeneDx
Classification: Benign. Last evaluated: 2018-06-14. Review status: criteria provided, single submitter. Criteria: GeneDx Variant Classification (06012015). Collection method: clinical testing. Allele origin: germline. Affected: yes.
Comment: This variant is considered likely benign or benign based on one or more of the following criteria: it is a conservative change, it occurs at a poorly conserved position in the protein, it is predicted to be benign by multiple in silico algorithms, and/or has population frequency not consistent with disease.